The following is an entry in ClinVar:

ClinVar aggregate classification (germline): Uncertain significance. Review status: criteria provided, multiple submitters, no conflicts (2 of 4 stars). 3 submissions from 3 submitters: Uncertain significance (3). Last evaluated 2025-02-06.

Allele frequency attached by ClinVar (database versions not stated): TOPMed below 0.00001.

Submissions (3):

Dasa
Classification: Uncertain significance. Last evaluated: 2025-02-06. Review status: criteria provided, single submitter. Criteria: DASA Assertion Criteria. Collection method: clinical testing. Allele origin: germline.
Comment: NM_001330700.2(TOP2B):c.4316A>G (p.Lys1439Arg) is a missense variant that results in the substitution of lysine with arginine. This variant is rare in population databases. The currently available literature and clinical evidence are not sufficient to establish a definitive association between this variant and the reported condition. Therefore, this variant is classified as a variant of uncertain significance.

GeneDx
Classification: Uncertain significance. Last evaluated: 2024-06-30. Review status: criteria provided, single submitter. Criteria: GeneDx Variant Classification Process June 2021. Collection method: clinical testing. Allele origin: germline. Affected: yes.
Comment: Not observed at significant frequency in large population cohorts (gnomAD); In silico analysis supports that this missense variant has a deleterious effect on splicing; In silico analysis indicates that this missense variant does not alter protein structure/function; Has not been previously published as pathogenic or benign to our knowledge

Labcorp Genetics (formerly Invitae), Labcorp
Classification: Uncertain significance. Last evaluated: 2021-07-13. Review status: criteria provided, single submitter. Criteria: Invitae Variant Classification Sherloc (09022015). Collection method: clinical testing. Allele origin: germline.
Comment: In summary, the available evidence is currently insufficient to determine the role of this variant in disease. Therefore, it has been classified as a Variant of Uncertain Significance. This sequence change replaces lysine with arginine at codon 1439 of the TOP2B protein (p.Lys1439Arg). The lysine residue is moderately conserved and there is a small physicochemical difference between lysine and arginine. This variant is not present in population databases (ExAC no frequency). This variant has not been reported in the literature in individuals affected with TOP2B-related conditions. Algorithms developed to predict the effect of missense changes on protein structure and function are either unavailable or do not agree on the potential impact of this missense change (SIFT: "Not Available"; PolyPhen-2: "Benign"; Align-GVGD: "Not Available").

NM_001330700.2(TOP2B):c.4316A>G (p.Lys1439Arg)

Gene: TOP2B (DNA topoisomerase II beta; minus strand). Cytogenetic location: 3p24.2.
Variant type: single nucleotide variant.
Coding change: c.4316A>G on transcript NM_001330700.2 (MANE Select); coding-DNA position 4316, A replaced by G.
Protein change: p.Lys1439Arg; replaces lysine 1439 with arginine.
Molecular consequence: missense variant.
Genome position (GRCh38, 1-based): chr3:25,606,105, T>C on the plus strand (A>G on the coding strand, the complement: TOP2B is on the minus strand). VCF-style: chr3-25606105-T-C. GRCh37 (hg19) VCF-style: chr3-25647596-T-C.
Other names: c.4301A>G, p.Lys1434Arg (NM_001068.3); short protein forms K1439R, K1434R.
Identifiers: ClinVar variation 1360022 (VCV001360022.11), dbSNP rs1702230538, ClinGen allele CA351892189.
Genomic context (GRCh38, chr3:25,606,105, plus strand): 5'-TCTTCTGACTTCTGAGAATATGAAGGAAATGAGAAGAGATTTCCAAAATCCTGACTTTTT[T>C]TGTCATGCAAAGATTTTCTATTAGAAAGAAAATAAACACCACAGAGGATACAATTTAAAT-3'
Protein context (NP_001317629.1, residues 1429-1449): KATPEKSLHD[Lys1439Arg]KSQDFGNLFS